The following is an entry in ClinVar:

NM_017617.5(NOTCH1):c.5019-15T>A

Gene: NOTCH1 (notch receptor 1; minus strand). Cytogenetic location: 9q34.3.
Variant type: single nucleotide variant.
Coding change: c.5019-15T>A on transcript NM_017617.5 (MANE Select); 15 bases into the intron before coding-DNA position 5019, T replaced by A.
Molecular consequence: intron variant.
Genome position (GRCh38, 1-based): chr9:136,503,345, A>T on the plus strand (T>A on the coding strand, the complement: NOTCH1 is on the minus strand). VCF-style: chr9-136503345-A-T. GRCh37 (hg19) VCF-style: chr9-139397797-A-T.
Identifiers: ClinVar variation 3651956 (VCV003651956.2).

ClinVar aggregate classification (germline): Uncertain significance (1 of 4 stars; one submission).

Conditions:
Adams-Oliver syndrome 5 (AOS5). Identifiers: Orphanet 974, MedGen C4014970, MONDO:0014459, OMIM 616028.

Submission:

Labcorp Genetics (formerly Invitae), Labcorp
Classification: Uncertain significance for Adams-Oliver syndrome 5. Last evaluated: 2024-05-02. Review status: criteria provided, single submitter. Criteria: Invitae Variant Classification Sherloc (09022015). Collection method: clinical testing. Allele origin: germline.
Comment: This sequence change falls in intron 26 of the NOTCH1 gene. It does not directly change the encoded amino acid sequence of the NOTCH1 protein. This variant is not present in population databases (gnomAD no frequency). This variant has not been reported in the literature in individuals affected with NOTCH1-related conditions. Algorithms developed to predict the effect of sequence changes on RNA splicing suggest that this variant may disrupt the consensus splice site. In summary, the available evidence is currently insufficient to determine the role of this variant in disease. Therefore, it has been classified as a Variant of Uncertain Significance.